The following is an entry in ClinVar:

ClinVar aggregate classification (germline): Pathogenic (1 of 4 stars; one submission).

Conditions:
Primary ciliary dyskinesia. Also called: Ciliary dyskinesia. Identifiers: Orphanet 244, MedGen C0008780, MONDO:0016575, HP:0012265.

Submission:

Labcorp Genetics (formerly Invitae), Labcorp
Classification: Pathogenic for Primary ciliary dyskinesia. Last evaluated: 2024-07-03. Review status: criteria provided, single submitter. Criteria: Invitae Variant Classification Sherloc (09022015). Collection method: clinical testing. Allele origin: germline.
Comment: This sequence change creates a premature translational stop signal (p.Leu669Phefs*37) in the DNAH8 gene. It is expected to result in an absent or disrupted protein product. Loss-of-function variants in DNAH8 are known to be pathogenic (PMID: 24307375, 32619401, 32681648). This variant is present in population databases (rs757843325, gnomAD 0.02%). This variant has not been reported in the literature in individuals affected with DNAH8-related conditions. For these reasons, this variant has been classified as Pathogenic.

Literature cited by the submitters: PubMed 24307375; PubMed 32619401; PubMed 32681648.

NM_001206927.2(DNAH8):c.2007_2011del (p.Leu669fs)

Gene: DNAH8 (dynein axonemal heavy chain 8; plus strand). Cytogenetic location: 6p21.2.
Variant type: Microsatellite.
Coding change: c.2007_2011del on transcript NM_001206927.2 (MANE Select); coding-DNA positions 2007 to 2011, 5 bases deleted (ATCTT; older notation c.2007_2011delATCTT).
Protein change: p.Leu669fs; shifts the reading frame from leucine 669.
Molecular consequence: frameshift variant.
Genome position (GRCh38, 1-based): chr6:38,778,432-38,778,436, ATCTT deleted; deleting any 5 consecutive bases within chr6:38,778,427-38,778,436 gives the same sequence; the c. name uses the placement nearest the transcript's 3' end. VCF-style (leftmost placement, unchanged base first): chr6-38778426-AATCTT-A. GRCh37 (hg19) VCF-style: chr6-38746202-AATCTT-A.
Other names: c.1356_1360del, p.Leu452fs (NM_001371.4); short protein forms L452fs, L669fs.
Identifiers: ClinVar variation 3629118 (VCV003629118.2).